The following is an entry in ClinVar:

NM_207037.2(TCF12):c.1078C>G (p.Pro360Ala)

Gene: TCF12 (transcription factor 12; plus strand). Cytogenetic location: 15q21.3.
Variant type: single nucleotide variant.
Coding change: c.1078C>G on transcript NM_207037.2 (MANE Select); coding-DNA position 1078, C replaced by G.
Protein change: p.Pro360Ala; replaces proline 360 with alanine.
Molecular consequence: missense variant.
Genome position (GRCh38, 1-based): chr15:57,243,514, C>G. VCF-style: chr15-57243514-C-G. GRCh37 (hg19) VCF-style: chr15-57535712-C-G.
Other names: c.568C>G, p.Pro190Ala (NM_001306219.3, NM_207040.2); c.370C>G, p.Pro124Ala (NM_001306220.3); c.1078C>G, p.Pro360Ala (NM_001322151.2, NM_001322152.2, NM_001322157.3 and 7 more transcripts); c.421C>G, p.Pro141Ala (NM_001322154.2); c.904C>G, p.Pro302Ala (NM_001322156.2, NM_001322158.2); c.1114C>G, p.Pro372Ala (NM_001322164.2); short protein forms P124A, P141A, P190A, P302A, P360A, P372A.
Identifiers: ClinVar variation 3899021 (VCV003899021.1).

ClinVar aggregate classification (germline): Uncertain significance (1 of 4 stars; one submission).

Submission:

GeneDx
Classification: Uncertain significance. Last evaluated: 2024-11-06. Review status: criteria provided, single submitter. Criteria: GeneDx Variant Classification Process June 2021. Collection method: clinical testing. Allele origin: germline. Affected: yes.
Comment: Not observed at significant frequency in large population cohorts (gnomAD); In silico analysis supports that this missense variant has a deleterious effect on protein structure/function; Has not been previously published as pathogenic or benign to our knowledge